The following is an entry in ClinVar:

ClinVar aggregate classification (germline): Uncertain significance (1 of 4 stars; one submission).

Conditions:
Neurofibromatosis, type 1 (NF1). Also called: VON RECKLINGHAUSEN DISEASE; NEUROFIBROMATOSIS, TYPE I, SOMATIC; Peripheral type neurofibromatosis; Neurofibromatosis, type I. Identifiers: Orphanet 636, MedGen C0027831, MONDO:0018975, OMIM 162200. Disease mechanism: loss of function.

Allele frequency attached by ClinVar (database versions not stated): gnomAD exomes below 0.00001.
gnomAD v4.1: 1 of 1,614,136 alleles (0.000062%); highest among the groups gnomAD compares: Non-Finnish European, 0.000085%; no homozygotes.

Submission:

Labcorp Genetics (formerly Invitae), Labcorp
Classification: Uncertain significance for Neurofibromatosis, type 1. Last evaluated: 2017-10-01. Review status: criteria provided, single submitter. Criteria: Invitae Variant Classification Sherloc (09022015). Collection method: clinical testing. Allele origin: germline.
Comment: In summary, the available evidence is currently insufficient to determine the role of this variant in disease. Therefore, it has been classified as a Variant of Uncertain Significance. Algorithms developed to predict the effect of missense changes on protein structure and function do not agree on the potential impact of this missense change (SIFT: "Deleterious"; PolyPhen-2: "Probably Damaging"; Align-GVGD: "Class C0"). This variant has not been reported in the literature in individuals with NF1-related disease. This variant is not present in population databases (ExAC no frequency). This sequence change replaces serine with proline at codon 1817 of the NF1 protein (p.Ser1817Pro). The serine residue is moderately conserved and there is a moderate physicochemical difference between serine and proline.

NM_001042492.3(NF1):c.5512T>C (p.Ser1838Pro)

Gene: NF1 (neurofibromin 1; plus strand). Cytogenetic location: 17q11.2.
Variant type: single nucleotide variant.
Coding change: c.5512T>C on transcript NM_001042492.3 (MANE Select); coding-DNA position 5512, T replaced by C.
Protein change: p.Ser1838Pro; replaces serine 1838 with proline.
Molecular consequence: missense variant.
Genome position (GRCh38, 1-based): chr17:31,327,742, T>C. VCF-style: chr17-31327742-T-C. GRCh37 (hg19) VCF-style: chr17-29654760-T-C.
Other names: c.5449T>C, p.Ser1817Pro (NM_000267.4); short protein forms S1838P, S1817P.
Identifiers: ClinVar variation 527564 (VCV000527564.2), dbSNP rs1555533619, ClinGen allele CA399009690.